The following is an entry in ClinVar:

NC_000016.9:g.(?_89833539)_(89839802_?)del

Gene: FANCA (FA complementation group A; minus strand). Cytogenetic location: 16q24.3.
Variant type: Deletion.
Identifiers: ClinVar variation 1458663 (VCV001458663.6).

ClinVar aggregate classification (germline): Pathogenic (1 of 4 stars; one submission).

Conditions:
Fanconi anemia (FA). Also called: Fanconi's anemia. Identifiers: Orphanet 84, MedGen C0015625, MeSH D005199, MONDO:0019391.

Submission:

Labcorp Genetics (formerly Invitae), Labcorp
Classification: Pathogenic for Fanconi anemia. Last evaluated: 2021-02-02. Review status: criteria provided, single submitter. Criteria: Invitae Variant Classification Sherloc (09022015). Collection method: clinical testing. Allele origin: germline.
Comment: For these reasons, this variant has been classified as Pathogenic. This variant has not been reported in the literature in individuals with FANCA-related conditions. This variant is a gross deletion of the genomic region encompassing exon(s) 22-27 of the FANCA gene. This deletion is out-of-frame, and is expected to create a premature translational stop signal and result in an absent or disrupted protein product. Loss-of-function variants in FANCA are known to be pathogenic (PMID: 19367192).

Literature cited by the submitters: PubMed 19367192.